The following is an entry in ClinVar:

ClinVar aggregate classification (germline): Uncertain significance (1 of 4 stars; one submission).

Conditions:
Familial thoracic aortic aneurysm and aortic dissection (TAAD). Also called: Thoracic aortic aneurysms and dissections. Identifiers: Orphanet 91387, MedGen C4707243, MONDO:0019625.

Submission:

Ambry Genetics
Classification: Uncertain significance for Familial thoracic aortic aneurysm and aortic dissection. Last evaluated: 2017-09-14. Review status: criteria provided, single submitter. Criteria: Ambry Variant Classification Scheme 2023. Collection method: clinical testing. Allele origin: germline.
Comment: The p.L111V variant (also known as c.331C>G), located in coding exon 1 of the FLNA gene, results from a C to G substitution at nucleotide position 331. The leucine at codon 111 is replaced by valine, an amino acid with highly similar properties. Authors state that her mother was found to be mosaic for the alteration; however, no phenotypic information was provided (Fry AE et al. J Neuropsychiatry Clin Neurosci, 2013;25:26-31). This amino acid position is highly conserved in available vertebrate species. In addition, this alteration is predicted to be deleterious by in silico analysis. Since supporting evidence is limited at this time, the clinical significance of this alteration remains unclear.

Literature cited by the submitters: PubMed 23487190.

NM_001110556.2(FLNA):c.331C>G (p.Leu111Val)

Gene: FLNA (filamin A; minus strand). Cytogenetic location: Xq28.
Variant type: single nucleotide variant.
Coding change: c.331C>G on transcript NM_001110556.2 (MANE Select); coding-DNA position 331, C replaced by G.
Protein change: p.Leu111Val; replaces leucine 111 with valine.
Molecular consequence: missense variant.
Genome position (GRCh38, 1-based): chrX:154,370,915, G>C on the plus strand (C>G on the coding strand, the complement: FLNA is on the minus strand). VCF-style: chrX-154370915-G-C. GRCh37 (hg19) VCF-style: chrX-153599283-G-C.
Other names: c.331C>G, p.Leu111Val (NM_001456.4); short protein forms L111V.
Identifiers: ClinVar variation 1730177 (VCV001730177.2), dbSNP rs2522771283, ClinGen allele CA415254325.
Genomic context (GRCh38, chrX:154,370,915, plus strand): 5'-CTTCGGGGCGTCCCTCACCGATGGACACCAGTTTGATGCTCTCGCGGTCCAGGAACTCGA[G>C]CGCCACCGACACGTTCTCAAGCTGCATTTGGCGGAAAGTGGGCCGCTGGTTGTGCTTGCG-3'
Protein context (NP_001104026.1, residues 101-121): QMQLENVSVA[Leu111Val]EFLDRESIKL